The following is an entry in ClinVar:

ClinVar aggregate classification (germline): Uncertain significance. Review status: criteria provided, multiple submitters, no conflicts (2 of 4 stars). 3 submissions from 3 submitters: Uncertain significance (3). Last evaluated 2025-04-10.

Conditions:
Inborn genetic diseases. Identifiers: MedGen C0950123, MeSH D030342.

Allele frequency attached by ClinVar (database versions not stated): gnomAD 0.00001; TOPMed 0.00001.

Submissions (3):

Women's Health and Genetics/Laboratory Corporation of America, LabCorp
Classification: Uncertain significance. Last evaluated: 2025-04-10. Review status: criteria provided, single submitter. Criteria: LabCorp Variant Classification Summary - May 2015. Collection method: clinical testing. Allele origin: germline.
Comment: Variant summary: WDR1 c.605A>C (p.Asn202Thr) results in a non-conservative amino acid change in the encoded protein sequence. Three of five in-silico tools predict a benign effect of the variant on protein function. The variant allele was found at a frequency of 4.2e-06 in 239044 control chromosomes (gnomAD). The available data on variant occurrences in the general population are insufficient to allow any conclusion about variant significance. To our knowledge, no occurrence of c.605A>C in individuals affected with Lazy Leukocyte Syndrome and no experimental evidence demonstrating its impact on protein function have been reported. ClinVar contains an entry for this variant (Variation ID: 2501224). Based on the evidence outlined above, the variant was classified as uncertain significance.

Blueprint Genetics
Classification: Uncertain significance. Last evaluated: 2024-11-21. Review status: criteria provided, single submitter. Criteria: ACMG Guidelines, 2015. Collection method: clinical testing. Allele origin: germline.

Ambry Genetics
Classification: Uncertain significance for Inborn genetic diseases. Last evaluated: 2022-10-03. Review status: criteria provided, single submitter. Criteria: Ambry Variant Classification Scheme 2023. Collection method: clinical testing. Allele origin: germline.

NM_017491.5(WDR1):c.605A>C (p.Asn202Thr)

Gene: WDR1 (WD repeat domain 1; minus strand). Cytogenetic location: 4p16.1.
Variant type: single nucleotide variant.
Coding change: c.605A>C on transcript NM_017491.5 (MANE Select); coding-DNA position 605, A replaced by C.
Protein change: p.Asn202Thr; replaces asparagine 202 with threonine.
Molecular consequence: missense variant.
Genome position (GRCh38, 1-based): chr4:10,088,695, T>G on the plus strand (A>C on the coding strand, the complement: WDR1 is on the minus strand). VCF-style: chr4-10088695-T-G. GRCh37 (hg19) VCF-style: chr4-10090319-T-G.
Other names: c.185A>C, p.Asn62Thr (NM_005112.5); short protein forms N202T, N62T.
Identifiers: ClinVar variation 2501224 (VCV002501224.5), dbSNP rs1233976192, ClinGen allele CA356362466.